The following is an entry in ClinVar:

ClinVar aggregate classification (germline): Uncertain significance (1 of 4 stars; one submission).

Conditions:
Neutropenia, severe congenital, 1, autosomal dominant. Identifiers: MedGen C1859966, MONDO:0042490, OMIM 202700.

Submission:

3billion
Classification: Uncertain significance for Neutropenia, severe congenital, 1, autosomal dominant. Last evaluated: 2025-07-07. Review status: criteria provided, single submitter. Criteria: ACMG Guidelines, 2015. Collection method: clinical testing. Allele origin: germline. Affected: yes.
Comment: The variant is not observed in the gnomAD v4.1.0 dataset. Predicted Consequence/Location: Missense variant In silico tool predictions suggest damaging effect of the variant on gene or gene product [REVEL: 0.81 (>=0.6, sensitivity 0.68 and specificity 0.92); 3Cnet: 0.96 (> 0.75, sensitivity 0.96 and precision 0.92)]. The same nucleotide change resulting in the same amino acid change has been previously reported to be associated with ELANE-related disorder (PMID: 14962902). Different missense changes at the same codon (p.Leu121Arg, p.Leu121His) have been reported to be associated with ELANE-related disorder (ClinVar ID: VCV002004229 /PMID: 16670064). However the evidence of pathogenicity is insufficient at this time. Therefore, this variant is classified as VUS according to the recommendation of ACMG/AMP guideline.

Literature cited by the submitters: PubMed 16670064; PubMed 14962902.

NM_001972.4(ELANE):c.362T>C (p.Leu121Pro)

Gene: ELANE (elastase, neutrophil expressed; plus strand). Cytogenetic location: 19p13.3.
Variant type: single nucleotide variant.
Coding change: c.362T>C on transcript NM_001972.4 (MANE Select); coding-DNA position 362, T replaced by C.
Protein change: p.Leu121Pro; replaces leucine 121 with proline.
Molecular consequence: missense variant.
Genome position (GRCh38, 1-based): chr19:853,399, T>C. VCF-style: chr19-853399-T-C. GRCh37 (hg19) VCF-style: chr19-853399-T-C.
Other names: short protein forms L121P.
Identifiers: ClinVar variation 4856276 (VCV004856276.1).